The following is an entry in ClinVar:

NM_005629.4(SLC6A8):c.1819C>G (p.Arg607Gly)

Gene: SLC6A8 (solute carrier family 6 member 8; plus strand). Cytogenetic location: Xq28.
Variant type: single nucleotide variant.
Coding change: c.1819C>G on transcript NM_005629.4 (MANE Select); coding-DNA position 1819, C replaced by G.
Protein change: p.Arg607Gly; replaces arginine 607 with glycine.
Molecular consequence: missense variant.
Genome position (GRCh38, 1-based): chrX:153,695,125, C>G. VCF-style: chrX-153695125-C-G. GRCh37 (hg19) VCF-style: chrX-152960580-C-G.
Other names: c.1819C>G (NM_005629.3); c.1789C>G, p.Arg597Gly (NM_001142805.2); c.1474C>G, p.Arg492Gly (NM_001142806.1); short protein forms R607G, R492G, R597G.
Identifiers: ClinVar variation 1437366 (VCV001437366.5), dbSNP rs1377233837, ClinGen allele CA415091157.

ClinVar aggregate classification (germline): Uncertain significance. Review status: criteria provided, multiple submitters, no conflicts (2 of 4 stars). 2 submissions from 2 submitters: Uncertain significance (2). Last evaluated 2025-01-27.

Conditions:
Creatine transporter deficiency (CCDS1). Also called: CEREBRAL CREATINE DEFICIENCY SYNDROME 1; Mental retardation , X-linked with seizures, short stature and midface hypoplasia; Mental retardation , X-linked, with creatine transport deficiency; X-linked creatine transporter deficiency; X-linked creatine deficiency syndrome; SLC6A8-Related Creatine Transporter Deficiency. Identifiers: Orphanet 52503, MedGen C1845862, MONDO:0010305, OMIM 300352.

Allele frequency attached by ClinVar (database versions not stated): gnomAD exomes below 0.00001; TOPMed 0.00001; gnomAD 0.00002.
gnomAD v4.1: 5 of 1,201,140 alleles (0.00042%); highest among the groups gnomAD compares: Non-Finnish European, 0.00056%; no homozygotes.

Submissions (2):

GeneDx
Classification: Uncertain significance. Last evaluated: 2025-01-27. Review status: criteria provided, single submitter. Criteria: GeneDx Variant Classification Process June 2021. Collection method: clinical testing. Allele origin: germline. Affected: yes.
Comment: In silico analysis indicates that this missense variant does not alter protein structure/function; Has not been previously published as pathogenic or benign to our knowledge

Labcorp Genetics (formerly Invitae), Labcorp
Classification: Uncertain significance for Creatine transporter deficiency. Last evaluated: 2022-02-09. Review status: criteria provided, single submitter. Criteria: Invitae Variant Classification Sherloc (09022015). Collection method: clinical testing. Allele origin: germline.
Comment: In summary, the available evidence is currently insufficient to determine the role of this variant in disease. Therefore, it has been classified as a Variant of Uncertain Significance. Advanced modeling of protein sequence and biophysical properties (such as structural, functional, and spatial information, amino acid conservation, physicochemical variation, residue mobility, and thermodynamic stability) performed at Invitae indicates that this missense variant is not expected to disrupt SLC6A8 protein function. This variant has not been reported in the literature in individuals affected with SLC6A8-related conditions. This variant is present in population databases (no rsID available, gnomAD 0.02%). This sequence change replaces arginine, which is basic and polar, with glycine, which is neutral and non-polar, at codon 607 of the SLC6A8 protein (p.Arg607Gly).